The following is an entry in ClinVar:

ClinVar aggregate classification (germline): Uncertain significance. Review status: criteria provided, multiple submitters, no conflicts (2 of 4 stars). 3 submissions from 3 submitters: Uncertain significance (3). Last evaluated 2024-09-02.

Conditions:
Hereditary cancer-predisposing syndrome. Also called: Hereditary neoplastic syndrome; Neoplastic Syndromes, Hereditary; Tumor predisposition; Hereditary Cancer Syndrome. Identifiers: Orphanet 140162, MedGen C0027672, MeSH D009386, MONDO:0015356.
Neuroblastoma, susceptibility to, 3. Also called: ALK-Related Neuroblastic Tumor Susceptibility. Identifiers: Orphanet 635, MedGen C2751681, MONDO:0013083, OMIM 613014.

Allele frequency attached by ClinVar (database versions not stated): gnomAD 0.00001; gnomAD exomes 0.00001; TOPMed 0.00001.
gnomAD v4.1: 11 of 1,613,290 alleles (0.00068%); highest among the groups gnomAD compares: Non-Finnish European, 0.00093%; no homozygotes.

Submissions (3):

Labcorp Genetics (formerly Invitae), Labcorp
Classification: Uncertain significance for Neuroblastoma, susceptibility to, 3. Last evaluated: 2024-09-02. Review status: criteria provided, single submitter. Criteria: Invitae Variant Classification Sherloc (09022015). Collection method: clinical testing. Allele origin: germline.
Comment: This sequence change replaces valine, which is neutral and non-polar, with aspartic acid, which is acidic and polar, at codon 155 of the ALK protein (p.Val155Asp). This variant is not present in population databases (gnomAD no frequency). This variant has not been reported in the literature in individuals affected with ALK-related conditions. ClinVar contains an entry for this variant (Variation ID: 1008011). An algorithm developed to predict the effect of missense changes on protein structure and function (PolyPhen-2) suggests that this variant is likely to be tolerated. In summary, the available evidence is currently insufficient to determine the role of this variant in disease. Therefore, it has been classified as a Variant of Uncertain Significance.

Baylor Genetics
Classification: Uncertain significance for Neuroblastoma, susceptibility to, 3. Last evaluated: 2024-03-17. Review status: criteria provided, single submitter. Criteria: ACMG Guidelines, 2015. Collection method: clinical testing. Allele origin: unknown.

Ambry Genetics
Classification: Uncertain significance for Hereditary cancer-predisposing syndrome. Last evaluated: 2023-05-28. Review status: criteria provided, single submitter. Criteria: Ambry Variant Classification Scheme 2023. Collection method: clinical testing. Allele origin: germline.
Comment: The p.V155D variant (also known as c.464T>A), located in coding exon 1 of the ALK gene, results from a T to A substitution at nucleotide position 464. The valine at codon 155 is replaced by aspartic acid, an amino acid with highly dissimilar properties. This amino acid position is conserved. In addition, this alteration is predicted to be tolerated by in silico analysis. Since supporting evidence is limited at this time, the clinical significance of this alteration remains unclear.

NM_004304.5(ALK):c.464T>A (p.Val155Asp)

Gene: ALK (ALK receptor tyrosine kinase; minus strand). Cytogenetic location: 2p23.1.
Variant type: single nucleotide variant.
Coding change: c.464T>A on transcript NM_004304.5 (MANE Select); coding-DNA position 464, T replaced by A.
Protein change: p.Val155Asp; replaces valine 155 with aspartic acid.
Molecular consequence: missense variant.
Genome position (GRCh38, 1-based): chr2:29,920,196, A>T on the plus strand (T>A on the coding strand, the complement: ALK is on the minus strand). VCF-style: chr2-29920196-A-T. GRCh37 (hg19) VCF-style: chr2-30143062-A-T.
Other names: c.464T>A (NM_004304.4); short protein forms V155D.
Identifiers: ClinVar variation 1008011 (VCV001008011.11), dbSNP rs1206463887, ClinGen allele CA346589991.